The following is an entry in ClinVar:

ClinVar aggregate classification (germline): Uncertain significance. Review status: criteria provided, multiple submitters, no conflicts (2 of 4 stars). 2 submissions from 2 submitters: Uncertain significance (2). Last evaluated 2026-07-14.

Conditions:
Hereditary cancer-predisposing syndrome. Also called: Hereditary Cancer Syndrome; Hereditary neoplastic syndrome; Neoplastic Syndromes, Hereditary; Tumor predisposition. Identifiers: Orphanet 140162, MedGen C0027672, MeSH D009386, MONDO:0015356.
Hereditary nonpolyposis colorectal neoplasms. Identifiers: MedGen C0009405, MeSH D003123.

Submissions (2):

Ambry Genetics
Classification: Uncertain significance for Hereditary cancer-predisposing syndrome. Last evaluated: 2026-07-14. Review status: criteria provided, single submitter. Criteria: Ambry Variant Classification Scheme 2023. Collection method: clinical testing. Allele origin: germline.
Comment: The p.S445R variant (also known as c.1333A>C), located in coding exon 4 of the MSH6 gene, results from an A to C substitution at nucleotide position 1333. The serine at codon 445 is replaced by arginine, an amino acid with dissimilar properties. This amino acid position is conserved. In addition, the in silico prediction for this alteration is inconclusive. Based on the available evidence, the clinical significance of this variant remains unclear.

Labcorp Genetics (formerly Invitae), Labcorp
Classification: Uncertain significance for Hereditary nonpolyposis colorectal neoplasms. Last evaluated: 2026-01-14. Review status: criteria provided, single submitter. Criteria: Invitae Variant Classification Sherloc (09022015). Collection method: clinical testing. Allele origin: germline.
Comment: This sequence change replaces serine, which is neutral and polar, with arginine, which is basic and polar, at codon 445 of the MSH6 protein (p.Ser445Arg). This variant is not present in population databases (gnomAD no frequency). This variant has not been reported in the literature in individuals affected with MSH6-related conditions. Invitae Evidence Modeling of protein sequence and biophysical properties (such as structural, functional, and spatial information, amino acid conservation, physicochemical variation, residue mobility, and thermodynamic stability) indicates that this missense variant is not expected to disrupt MSH6 protein function with a negative predictive value of 95%. In summary, the available evidence is currently insufficient to determine the role of this variant in disease. Therefore, it has been classified as a Variant of Uncertain Significance.

NM_000179.3(MSH6):c.1333A>C (p.Ser445Arg)

Gene: MSH6 (mutS homolog 6; plus strand). Cytogenetic location: 2p16.3.
Variant type: single nucleotide variant.
Coding change: c.1333A>C on transcript NM_000179.3 (MANE Select); coding-DNA position 1333, A replaced by C.
Protein change: p.Ser445Arg; replaces serine 445 with arginine.
Molecular consequence: missense variant. On other transcripts: non-coding transcript variant (4), intron variant (1).
Genome position (GRCh38, 1-based): chr2:47,799,316, A>C. VCF-style: chr2-47799316-A-C. GRCh37 (hg19) VCF-style: chr2-48026455-A-C.
Other names: c.808A>C, p.Ser270Arg (NM_001406807.1, NM_001406799.1, NM_001406806.1); c.1333A>C, p.Ser445Arg (NM_001406808.1, NM_001406809.1, NM_001406817.1 and 4 more transcripts); c.427A>C, p.Ser143Arg (NM_001406811.1, NM_001406812.1, NM_001406814.1 and 6 more transcripts); c.1339A>C, p.Ser447Arg (NM_001406813.1); c.943A>C, p.Ser315Arg (NM_001281492.2); c.1429A>C, p.Ser477Arg (NM_001406795.1, NM_001406802.1); c.1036A>C, p.Ser346Arg (NM_001406797.1, NM_001406801.1, NM_001406805.1 and 10 more transcripts); c.1255A>C, p.Ser419Arg (NM_001406804.1); and 2 more; short protein forms S143R, S270R, S315R, S346R, S389R, S419R, S445R, S447R.
Identifiers: ClinVar variation 4800197 (VCV004800197.2).
Genomic context (GRCh38, chr2:47,799,316, plus strand): 5'-ATCTGTTACAAGGTGGGGAAATTTTATGAGCTGTACCACATGGATGCTCTTATTGGAGTC[A>C]GTGAACTGGGGCTGGTATTCATGAAAGGCAACTGGGCCCATTCTGGCTTTCCTGAAATTG-3'
Protein context (NP_000170.1, residues 435-455): LYHMDALIGV[Ser445Arg]ELGLVFMKGN